The following is an entry in ClinVar:

ClinVar aggregate classification (germline): Uncertain significance (1 of 4 stars; one submission).

Submission:

Labcorp Genetics (formerly Invitae), Labcorp
Classification: Uncertain significance. Last evaluated: 2024-06-05. Review status: criteria provided, single submitter. Criteria: Invitae Variant Classification Sherloc (09022015). Collection method: clinical testing. Allele origin: germline.
Comment: This sequence change replaces alanine, which is neutral and non-polar, with valine, which is neutral and non-polar, at codon 129 of the ALPK3 protein (p.Ala129Val). This variant is not present in population databases (gnomAD no frequency). This variant has not been reported in the literature in individuals affected with ALPK3-related conditions. An algorithm developed to predict the effect of missense changes on protein structure and function (PolyPhen-2) suggests that this variant is likely to be tolerated. In summary, the available evidence is currently insufficient to determine the role of this variant in disease. Therefore, it has been classified as a Variant of Uncertain Significance.

NC_000015.10:g.84817232C>T

Gene: ALPK3 (alpha kinase 3; plus strand). Cytogenetic location: 15q25.3.
Variant type: single nucleotide variant.
Genome position: GRCh38 VCF-style: chr15-84817232-C-T. GRCh37 (hg19) VCF-style: chr15-85360463-C-T.
Identifiers: ClinVar variation 3655701 (VCV003655701.2).